The following is an entry in ClinVar:

NM_001039591.3(USP9X):c.7637T>C (p.Val2546Ala)

Gene: USP9X (ubiquitin specific peptidase 9 X-linked; plus strand). Cytogenetic location: Xp11.4.
Variant type: single nucleotide variant.
Coding change: c.7637T>C on transcript NM_001039591.3 (MANE Select); coding-DNA position 7637, T replaced by C.
Protein change: p.Val2546Ala; replaces valine 2546 with alanine.
Molecular consequence: missense variant.
Genome position (GRCh38, 1-based): chrX:41,232,496, T>C. VCF-style: chrX-41232496-T-C. GRCh37 (hg19) VCF-style: chrX-41091749-T-C.
Other names: c.7685T>C, p.Val2562Ala (NM_001039590.3); c.7700T>C, p.Val2567Ala (NM_001410748.1); c.7652T>C, p.Val2551Ala (NM_001410749.1); short protein forms V2562A, V2551A, V2567A, V2546A.
Identifiers: ClinVar variation 3721266 (VCV003721266.2).

ClinVar aggregate classification (germline): Uncertain significance (1 of 4 stars; one submission).

Submission:

Labcorp Genetics (formerly Invitae), Labcorp
Classification: Uncertain significance. Last evaluated: 2024-11-02. Review status: criteria provided, single submitter. Criteria: Invitae Variant Classification Sherloc (09022015). Collection method: clinical testing. Allele origin: germline.
Comment: This sequence change replaces valine, which is neutral and non-polar, with alanine, which is neutral and non-polar, at codon 2562 of the USP9X protein (p.Val2562Ala). This variant is not present in population databases (gnomAD no frequency). This variant has not been reported in the literature in individuals affected with USP9X-related conditions. An algorithm developed to predict the effect of missense changes on protein structure and function (PolyPhen-2) suggests that this variant is likely to be tolerated. In summary, the available evidence is currently insufficient to determine the role of this variant in disease. Therefore, it has been classified as a Variant of Uncertain Significance.